The following is an entry in ClinVar:

NM_001033855.3(DCLRE1C):c.1233T>G (p.Phe411Leu)

Gene: DCLRE1C (DNA cross-link repair 1C; minus strand). Cytogenetic location: 10p13.
Variant type: single nucleotide variant.
Coding change: c.1233T>G on transcript NM_001033855.3 (MANE Select); coding-DNA position 1233, T replaced by G.
Protein change: p.Phe411Leu; replaces phenylalanine 411 with leucine.
Molecular consequence: missense variant. On other transcripts: non-coding transcript variant (4).
Genome position (GRCh38, 1-based): chr10:14,909,254, A>C on the plus strand (T>G on the coding strand, the complement: DCLRE1C is on the minus strand). VCF-style: chr10-14909254-A-C. GRCh37 (hg19) VCF-style: chr10-14951253-A-C.
Other names: c.873T>G, p.Phe291Leu (NM_001033857.3, NM_001033858.3, NM_001289077.2 and 2 more transcripts); c.888T>G, p.Phe296Leu (NM_001289076.2, NM_001289078.2, NM_001350966.2 and 1 more transcripts); c.1233T>G, p.Phe411Leu (NM_001350965.2); short protein forms F296L, F291L, F411L.
Identifiers: ClinVar variation 2109855 (VCV002109855.4), dbSNP rs761710395, ClinGen allele CA5416518.

ClinVar aggregate classification (germline): Uncertain significance (1 of 4 stars; one submission).

Conditions:
Severe combined immunodeficiency due to DCLRE1C deficiency (RS-SCID). Also called: SCID, AUTOSOMAL RECESSIVE, T CELL-NEGATIVE, B CELL-NEGATIVE, NK CELL-POSITIVE, WITH SENSITIVITY TO IONIZING RADIATION. Identifiers: Orphanet 275, MedGen C1865371, MONDO:0011225, OMIM 602450.

Allele frequency attached by ClinVar (database versions not stated): gnomAD exomes below 0.00001; ExAC 0.00001.
gnomAD v4.1: 1 of 1,613,796 alleles (0.000062%); highest among the groups gnomAD compares: Non-Finnish European, 0.000085%; no homozygotes.

Submission:

Labcorp Genetics (formerly Invitae), Labcorp
Classification: Uncertain significance for Athabaskan severe combined immunodeficiency. Last evaluated: 2022-03-12. Review status: criteria provided, single submitter. Criteria: Invitae Variant Classification Sherloc (09022015). Collection method: clinical testing. Allele origin: germline.
Comment: Algorithms developed to predict the effect of missense changes on protein structure and function output the following: SIFT: "Tolerated"; PolyPhen-2: "Benign"; Align-GVGD: "Class C0". The leucine amino acid residue is found in multiple mammalian species, which suggests that this missense change does not adversely affect protein function. This variant has not been reported in the literature in individuals affected with DCLRE1C-related conditions. This variant is present in population databases (rs761710395, gnomAD 0.002%). This sequence change replaces phenylalanine, which is neutral and non-polar, with leucine, which is neutral and non-polar, at codon 411 of the DCLRE1C protein (p.Phe411Leu). In summary, the available evidence is currently insufficient to determine the role of this variant in disease. Therefore, it has been classified as a Variant of Uncertain Significance.